The following is an entry in ClinVar:

ClinVar aggregate classification (germline): Pathogenic (1 of 4 stars; one submission).

Submission:

GeneDx
Classification: Pathogenic. Last evaluated: 2026-01-22. Review status: criteria provided, single submitter. Criteria: GeneDx Variant Classification Process June 2021. Collection method: clinical testing. Allele origin: germline.
Comment: Not observed at significant frequency in large population cohorts (gnomAD); In-frame deletion of 1 amino acid(s) in a non-repeat region; In silico analysis supports a deleterious effect on protein structure/function; This variant is associated with the following publications: (PMID: 25356899)

NM_013245.3(VPS4A):c.579CTC[1] (p.Ser195del)

Gene: VPS4A (vacuolar protein sorting 4 homolog A; plus strand). Cytogenetic location: 16q22.1.
Variant type: Microsatellite.
Coding change: c.579CTC[1] on transcript NM_013245.3 (MANE Select); one copy of the 3-base unit CTC starting at c.579; the reference has two copies in a row; one copy, 3 bases deleted.
Protein change: p.Ser195del; deletes serine 195.
Molecular consequence: inframe deletion.
Genome position (GRCh38, 1-based): chr16:69,319,505-69,319,507, CTC deleted; deleting any 3 consecutive bases within chr16:69,319,500-69,319,507 gives the same sequence; the position shown is the placement nearest the transcript's 3' end. VCF-style (leftmost placement, unchanged base first): chr16-69319499-GTCC-G. GRCh37 (hg19) VCF-style: chr16-69353402-GTCC-G.
Other names: short protein forms S195del.
Identifiers: ClinVar variation 4887848 (VCV004887848.1).